The following is an entry in ClinVar:

ClinVar aggregate classification (germline): Uncertain significance. Review status: criteria provided, multiple submitters, no conflicts (2 of 4 stars). 4 submissions from 4 submitters: Uncertain significance (4). Last evaluated 2026-01-26.

Conditions:
Meckel-Gruber syndrome. Also called: Dysencephalia splachnocystica; DYSENCEPHALIA SPLANCHNOCYSTICA; GRUBER SYNDROME. Identifiers: Orphanet 564, MedGen C0265215, MONDO:0018921.
Joubert syndrome. Also called: Familial aplasia of the vermis; JOUBERT-BOLTSHAUSER SYNDROME. Identifiers: Orphanet 475, MedGen C5979921, MONDO:0018772.
CC2D2A-related disorder. Also called: CC2D2A-related disorders; CC2D2A-related condition. Identifiers: MedGen CN239313.
Inborn genetic diseases. Identifiers: MedGen C0950123, MeSH D030342.

Allele frequency attached by ClinVar (database versions not stated): gnomAD 0.00001 and 0.00004; TOPMed 0.00004; gnomAD exomes 0.00005 and 0.00011; ExAC 0.00006; ESP Exome Variant Server 0.00017; 1000 Genomes Project 0.00040; 1000 Genomes Project 30x 0.00047.
gnomAD v4.1: 80 of 1,611,970 alleles (0.005%); highest among the groups gnomAD compares: South Asian, 0.066%; 1 homozygote.

Submissions (4):

PreventionGenetics, part of Exact Sciences
Classification: Uncertain significance for CC2D2A-related condition. Last evaluated: 2026-01-26. Review status: criteria provided, single submitter. Criteria: ACMG Guidelines, 2015. Collection method: clinical testing. Allele origin: germline.
Comment: The CC2D2A c.4747G>A variant is predicted to result in the amino acid substitution p.Val1583Ile. To our knowledge, this variant has not been reported in the literature. This variant is reported in 0.046% of alleles in individuals of South Asian descent in gnomAD. At this time, the clinical significance of this variant is uncertain due to the absence of conclusive functional and genetic evidence.

Ambry Genetics
Classification: Uncertain significance for Inborn genetic diseases. Last evaluated: 2025-09-26. Review status: criteria provided, single submitter. Criteria: Ambry Variant Classification Scheme 2023. Collection method: clinical testing. Allele origin: germline.

Blueprint Genetics
Classification: Uncertain significance. Last evaluated: 2024-07-11. Review status: criteria provided, single submitter. Criteria: ACMG Guidelines, 2015. Collection method: clinical testing. Allele origin: germline.

Labcorp Genetics (formerly Invitae), Labcorp
Classification: Uncertain significance for Joubert syndrome; Meckel-Gruber syndrome. Last evaluated: 2022-05-03. Review status: criteria provided, single submitter. Criteria: Invitae Variant Classification Sherloc (09022015). Collection method: clinical testing. Allele origin: germline.
Comment: This sequence change replaces valine, which is neutral and non-polar, with isoleucine, which is neutral and non-polar, at codon 1583 of the CC2D2A protein (p.Val1583Ile). This variant is present in population databases (rs371196379, gnomAD 0.05%). This variant has not been reported in the literature in individuals affected with CC2D2A-related conditions. ClinVar contains an entry for this variant (Variation ID: 935368). Advanced modeling of protein sequence and biophysical properties (such as structural, functional, and spatial information, amino acid conservation, physicochemical variation, residue mobility, and thermodynamic stability) performed at Invitae indicates that this missense variant is expected to disrupt CC2D2A protein function. In summary, the available evidence is currently insufficient to determine the role of this variant in disease. Therefore, it has been classified as a Variant of Uncertain Significance.

NM_001378615.1(CC2D2A):c.4747G>A (p.Val1583Ile)

Genes: CC2D2A (coiled-coil and C2 domain containing 2A; plus strand), FBXL5 (F-box and leucine rich repeat protein 5; minus strand). Cytogenetic location: 4p15.32.
Variant type: single nucleotide variant.
Coding change: c.4747G>A on transcript NM_001378615.1 (MANE Select); coding-DNA position 4747, G replaced by A.
Protein change: p.Val1583Ile; replaces valine 1583 with isoleucine.
Molecular consequence: missense variant.
Genome position (GRCh38, 1-based): chr4:15,601,309, G>A. VCF-style: chr4-15601309-G-A. GRCh37 (hg19) VCF-style: chr4-15602932-G-A.
Other names: c.4747G>A, p.Val1583Ile (NM_001080522.2); c.4600G>A, p.Val1534Ile (NM_001378617.1); short protein forms V1583I, V1534I.
Identifiers: ClinVar variation 935368 (VCV000935368.10), dbSNP rs371196379, ClinGen allele CA2864473.